The following is an entry in ClinVar:

ClinVar aggregate classification (germline): Uncertain significance. Review status: criteria provided, multiple submitters, no conflicts (2 of 4 stars). 4 submissions from 4 submitters: Uncertain significance (4). Last evaluated 2025-12-15.

Conditions:
LRP5-related disorder. Also called: LRP5-related condition.

Allele frequency attached by ClinVar (database versions not stated): gnomAD 0.00005; ExAC 0.00006; gnomAD exomes 0.00006; TOPMed 0.00006; ESP Exome Variant Server 0.00008.
gnomAD v4.1: 35 of 1,613,268 alleles (0.0022%); highest among the groups gnomAD compares: Middle Eastern, 0.049%; no homozygotes.

Submissions (4):

Labcorp Genetics (formerly Invitae), Labcorp
Classification: Uncertain significance. Last evaluated: 2025-12-15. Review status: criteria provided, single submitter. Criteria: Invitae Variant Classification Sherloc (09022015). Collection method: clinical testing. Allele origin: germline.
Comment: This sequence change replaces glycine, which is neutral and non-polar, with arginine, which is basic and polar, at codon 1185 of the LRP5 protein (p.Gly1185Arg). This variant is present in population databases (rs375557997, gnomAD 0.02%). This missense change has been observed in individual(s) with primary osteoporosis (PMID: 22487062). ClinVar contains an entry for this variant (Variation ID: 289230). Invitae Evidence Modeling of protein sequence and biophysical properties (such as structural, functional, and spatial information, amino acid conservation, physicochemical variation, residue mobility, and thermodynamic stability) indicates that this missense variant is not expected to disrupt LRP5 protein function with a negative predictive value of 95%. Experimental studies have shown that this missense change does not substantially affect LRP5 function (PMID: 22487062). In summary, the available evidence is currently insufficient to determine the role of this variant in disease. Therefore, it has been classified as a Variant of Uncertain Significance.

PreventionGenetics, part of Exact Sciences
Classification: Uncertain significance for LRP5-related condition. Last evaluated: 2025-04-14. Review status: criteria provided, single submitter. Criteria: ACMG Guidelines, 2015. Collection method: clinical testing. Allele origin: germline.
Comment: The LRP5 c.3553G>A variant is predicted to result in the amino acid substitution p.Gly1185Arg. This variant is reported in 0.023% of alleles in individuals of Latino descent in gnomAD. At this time, the clinical significance of this variant is uncertain due to the absence of conclusive functional and genetic evidence.

GeneDx
Classification: Uncertain significance. Last evaluated: 2023-08-11. Review status: criteria provided, single submitter. Criteria: GeneDx Variant Classification Process June 2021. Collection method: clinical testing. Allele origin: germline. Affected: yes.
Comment: In silico analysis supports that this missense variant has a deleterious effect on protein structure/function; This variant is associated with the following publications: (PMID: 22487062)

Eurofins Ntd Llc (ga)
Classification: Uncertain significance. Last evaluated: 2016-07-08. Review status: criteria provided, single submitter. Criteria: EGL Classification Definitions 2015. Collection method: clinical testing. Allele origin: germline. Observed: 1 variant allele, 1 heterozygote.

Literature cited by the submitters: PubMed 22487062 (cited by Labcorp Genetics (formerly Invitae), Labcorp).

NM_002335.4(LRP5):c.3553G>A (p.Gly1185Arg)

Gene: LRP5 (LDL receptor related protein 5; plus strand). Cytogenetic location: 11q13.2.
Variant type: single nucleotide variant.
Coding change: c.3553G>A on transcript NM_002335.4 (MANE Select); coding-DNA position 3553, G replaced by A.
Protein change: p.Gly1185Arg; replaces glycine 1185 with arginine.
Molecular consequence: missense variant.
Genome position (GRCh38, 1-based): chr11:68,426,103, G>A. VCF-style: chr11-68426103-G-A. GRCh37 (hg19) VCF-style: chr11-68193571-G-A.
Other names: c.1810G>A, p.Gly604Arg (NM_001291902.2); c.3553G>A (NM_002335.3, NM_002335.2); short protein forms G1185R, G604R.
Identifiers: ClinVar variation 289230 (VCV000289230.13), dbSNP rs375557997, ClinGen allele CA6150029.
Genomic context (GRCh38, chr11:68,426,103, plus strand): 5'-AAGCATCTCTACTGGATCGACCGCCAGCAGCAGATGATCGAGCGTGTGGAGAAGACCACC[G>A]GGGACAAGCGGACTCGCATCCAGGGCCGTGTCGCCCACCTCACTGGCATCCATGCAGTGG-3'
Protein context (NP_002326.2, residues 1175-1195): QMIERVEKTT[Gly1185Arg]DKRTRIQGRV